The following is an entry in ClinVar:

ClinVar aggregate classification (germline): Uncertain significance (1 of 4 stars; one submission).

Submission:

Labcorp Genetics (formerly Invitae), Labcorp
Classification: Uncertain significance. Last evaluated: 2024-09-24. Review status: criteria provided, single submitter. Criteria: Invitae Variant Classification Sherloc (09022015). Collection method: clinical testing. Allele origin: germline.
Comment: This sequence change replaces alanine, which is neutral and non-polar, with threonine, which is neutral and polar, at codon 60 of the AVP protein (p.Ala60Thr). This variant is not present in population databases (gnomAD no frequency). This variant has not been reported in the literature in individuals affected with AVP-related conditions. An algorithm developed to predict the effect of missense changes on protein structure and function (PolyPhen-2) suggests that this variant is likely to be tolerated. In summary, the available evidence is currently insufficient to determine the role of this variant in disease. Therefore, it has been classified as a Variant of Uncertain Significance.

NM_000490.5(AVP):c.178G>A (p.Ala60Thr)

Gene: AVP (arginine vasopressin; minus strand). Cytogenetic location: 20p13.
Variant type: single nucleotide variant.
Coding change: c.178G>A on transcript NM_000490.5 (MANE Select); coding-DNA position 178, G replaced by A.
Protein change: p.Ala60Thr; replaces alanine 60 with threonine.
Molecular consequence: missense variant.
Genome position (GRCh38, 1-based): chr20:3,083,121, C>T on the plus strand (G>A on the coding strand, the complement: AVP is on the minus strand). VCF-style: chr20-3083121-C-T. GRCh37 (hg19) VCF-style: chr20-3063767-C-T.
Other names: short protein forms A60T.
Identifiers: ClinVar variation 3688866 (VCV003688866.2).
Genomic context (GRCh38, chr20:3,083,121, plus strand): 5'-AGTTCTCCTCCTGGCAGCGCAGCGCCTCAGCCGTGCCCACGAAGCAGCCCAGCTCGTCCG[C>T]GCAGCAGATGCTGGGCCCGAAGCAGCGGCCTTTGCCCCCGGGGCCGCAGGGGAGGCACTG-3'
Protein context (NP_000481.2, residues 50-70): GRCFGPSICC[Ala60Thr]DELGCFVGTA